The following is an entry in ClinVar:

ClinVar aggregate classification (germline): Uncertain significance (1 of 4 stars; one submission).

Submission:

Labcorp Genetics (formerly Invitae), Labcorp
Classification: Uncertain significance. Last evaluated: 2025-02-10. Review status: criteria provided, single submitter. Criteria: Invitae Variant Classification Sherloc (09022015). Collection method: clinical testing. Allele origin: germline.
Comment: This sequence change replaces glutamic acid, which is acidic and polar, with lysine, which is basic and polar, at codon 112 of the FGF10 protein (p.Glu112Lys). This variant is not present in population databases (gnomAD no frequency). This variant has not been reported in the literature in individuals affected with FGF10-related conditions. An algorithm developed to predict the effect of missense changes on protein structure and function outputs the following: PolyPhen-2: "Probably Damaging". The lysine amino acid residue is found in multiple mammalian species, which suggests that this missense change does not adversely affect protein function. In summary, the available evidence is currently insufficient to determine the role of this variant in disease. Therefore, it has been classified as a Variant of Uncertain Significance.

NM_004465.2(FGF10):c.334G>A (p.Glu112Lys)

Gene: FGF10 (fibroblast growth factor 10; minus strand). Cytogenetic location: 5p12.
Variant type: single nucleotide variant.
Coding change: c.334G>A on transcript NM_004465.2 (MANE Select); coding-DNA position 334, G replaced by A.
Protein change: p.Glu112Lys; replaces glutamic acid 112 with lysine.
Molecular consequence: missense variant.
Genome position (GRCh38, 1-based): chr5:44,310,522, C>T on the plus strand (G>A on the coding strand, the complement: FGF10 is on the minus strand). VCF-style: chr5-44310522-C-T. GRCh37 (hg19) VCF-style: chr5-44310624-C-T.
Other names: short protein forms E112K.
Identifiers: ClinVar variation 4712731 (VCV004712731.1).